The following is an entry in ClinVar:

NM_016955.4(SEPSECS):c.535A>G (p.Met179Val)

Gene: SEPSECS (Sep (O-phosphoserine) tRNA:Sec (selenocysteine) tRNA synthase; minus strand). Cytogenetic location: 4p15.2.
Variant type: single nucleotide variant.
Coding change: c.535A>G on transcript NM_016955.4 (MANE Select); coding-DNA position 535, A replaced by G.
Protein change: p.Met179Val; replaces methionine 179 with valine.
Molecular consequence: missense variant.
Genome position (GRCh38, 1-based): chr4:25,156,049, T>C on the plus strand (A>G on the coding strand, the complement: SEPSECS is on the minus strand). VCF-style: chr4-25156049-T-C. GRCh37 (hg19) VCF-style: chr4-25157671-T-C.
Other names: short protein forms M179V.
Identifiers: ClinVar variation 546217 (VCV000546217.4), dbSNP rs372778114, ClinGen allele CA93584277.

ClinVar aggregate classification (germline): Uncertain significance (1 of 4 stars; one submission).

Allele frequency attached by ClinVar (database versions not stated): gnomAD exomes below 0.00001; ESP Exome Variant Server 0.00008.

Submission:

GeneDx
Classification: Uncertain significance. Last evaluated: 2022-10-03. Review status: criteria provided, single submitter. Criteria: GeneDx Variant Classification Process June 2021. Collection method: clinical testing. Allele origin: germline. Affected: yes.
Comment: Not observed at significant frequency in large population cohorts (gnomAD); In silico analysis supports that this missense variant does not alter protein structure/function; Has not been previously published as pathogenic or benign to our knowledge